The following is an entry in ClinVar:

ClinVar aggregate classification (germline): Benign/Likely benign. Review status: criteria provided, multiple submitters, no conflicts (2 of 4 stars). 8 submissions from 7 submitters: Benign (5); Likely benign (2). 1 of the submissions does not count toward it. Last evaluated 2026-02-04.

Conditions:
Usher syndrome type 1 (USH1). Also called: RETINITIS PIGMENTOSA AND CONGENITAL DEAFNESS. Identifiers: Orphanet 231169, Orphanet 886, MedGen C1568247, MONDO:0010168, OMIM 276900.
Autosomal recessive nonsyndromic hearing loss 12. Also called: DEAFNESS, AUTOSOMAL RECESSIVE 12. Identifiers: Orphanet 90636, MedGen C1832394, MONDO:0011067, OMIM 601386.
Usher syndrome type 1D (USH1D). Also called: USHER SYNDROME, TYPE ID. Identifiers: Orphanet 231169, Orphanet 886, MedGen C1832845, MONDO:0010984, OMIM 601067.

Allele frequency attached by ClinVar (database versions not stated): gnomAD exomes 0.00570; ExAC 0.00685; gnomAD 0.02260 and 0.02419; ESP Exome Variant Server 0.02335; TOPMed 0.02500; 1000 Genomes Project 0.02616; 1000 Genomes Project 30x 0.02811.
gnomAD v4.1: 6,865 of 1,613,958 alleles (0.43%); highest among the groups gnomAD compares: African/African-American, 7.8%; 237 homozygotes.

Submissions (8):

Labcorp Genetics (formerly Invitae), Labcorp
Classification: Benign. Last evaluated: 2026-02-04. Review status: criteria provided, single submitter. Criteria: Invitae Variant Classification Sherloc (09022015). Collection method: clinical testing. Allele origin: germline.

Mayo Clinic Laboratories, Mayo Clinic
Classification: Benign. Last evaluated: 2022-04-17. Review status: criteria provided, single submitter. Criteria: ACMG Guidelines, 2015. Collection method: clinical testing. Allele origin: germline. Observed: 5 variant alleles.

Illumina Laboratory Services, Illumina
Classification: Likely benign for Autosomal recessive nonsyndromic hearing loss 12. Last evaluated: 2017-04-27. Review status: criteria provided, single submitter. Criteria: ICSL Variant Classification Criteria 13 December 2019. Collection method: clinical testing. Allele origin: germline.
Comment: This variant was observed as part of a predisposition screen in an ostensibly healthy population. A literature search was performed for the gene, cDNA change, and amino acid change (where applicable). No publications were found based on this search. Allele frequency data from public databases allowed determination this variant is unlikely to cause disease. Therefore, this variant is classified as likely benign.

Illumina Laboratory Services, Illumina
Classification: Benign for Usher syndrome type 1D. Last evaluated: 2017-04-27. Review status: criteria provided, single submitter. Criteria: ICSL Variant Classification Criteria 13 December 2019. Collection method: clinical testing. Allele origin: germline.
Comment: This variant was observed as part of a predisposition screen in an ostensibly healthy population. A literature search was performed for the gene, cDNA change, and amino acid change (where applicable). No publications were found based on this search. Allele frequency data from public databases was too high to be consistent with this variant causing disease. Therefore, this variant is classified as benign.

GeneDx
Classification: Benign. Last evaluated: 2017-03-16. Review status: criteria provided, single submitter. Criteria: GeneDx Variant Classification (06012015). Collection method: clinical testing. Allele origin: germline. Affected: yes.
Comment: This variant is considered likely benign or benign based on one or more of the following criteria: it is a conservative change, it occurs at a poorly conserved position in the protein, it is predicted to be benign by multiple in silico algorithms, and/or has population frequency not consistent with disease.

Laboratory for Molecular Medicine, Mass General Brigham Personalized Medicine
Classification: Benign. Last evaluated: 2011-01-10. Review status: criteria provided, single submitter. Criteria: LMM Criteria. Collection method: clinical testing. Allele origin: germline. Observed: 42 variant alleles.
Comment: Ile2164Ile in exon 48 of CDH23: This variant is not expected to have clinical si gnificance because it does not alter an amino acid residue, is not located near a splice junction, was identified in 8/50 (16%) Black individuals (rs41281332), and is predicted to be a benign polymorphism in the UMD database.

Breakthrough Genomics
Classification: Likely benign. Review status: criteria provided, single submitter. Criteria: ACMG Guidelines, 2015. Collection method: not provided. Allele origin: germline. Inheritance: Autosomal recessive inheritance. Affected: yes.

Natera, Inc.
Classification: Benign for Usher syndrome type 1. Last evaluated: 2020-09-16. Review status: no assertion criteria provided. Collection method: clinical testing. Allele origin: germline. Not counted in ClinVar's aggregate classification.

NM_022124.6(CDH23):c.6492C>T (p.Ile2164=)

Gene: CDH23 (cadherin related 23; plus strand). Cytogenetic location: 10q22.1.
Variant type: single nucleotide variant.
Coding change: c.6492C>T on transcript NM_022124.6 (MANE Select); coding-DNA position 6492, C replaced by T.
Protein change: p.Ile2164=; no amino-acid change (isoleucine 2164 retained).
Molecular consequence: synonymous variant.
Genome position (GRCh38, 1-based): chr10:71,793,420, C>T. VCF-style: chr10-71793420-C-T. GRCh37 (hg19) VCF-style: chr10-73553177-C-T.
Other names: p.Ile2164=.
Identifiers: ClinVar variation 46012 (VCV000046012.21), dbSNP rs41281332, ClinGen allele CA137537.